The following is an entry in ClinVar:

NM_002224.4(ITPR3):c.3282+6G>A

Gene: ITPR3 (inositol 1,4,5-trisphosphate receptor type 3; plus strand). Cytogenetic location: 6p21.31.
Variant type: single nucleotide variant.
Coding change: c.3282+6G>A on transcript NM_002224.4 (MANE Select); 6 bases into the intron after coding-DNA position 3282, G replaced by A.
Molecular consequence: intron variant.
Genome position (GRCh38, 1-based): chr6:33,675,862, G>A. VCF-style: chr6-33675862-G-A. GRCh37 (hg19) VCF-style: chr6-33643639-G-A.
Identifiers: ClinVar variation 3049802 (VCV003049802.2), dbSNP rs139957420, ClinGen allele CA3760872.

ClinVar aggregate classification (germline): Likely benign (0 of 4 stars; one submission).

Conditions:
ITPR3-related disorder. Also called: ITPR3-related condition.

Allele frequency attached by ClinVar (database versions not stated): gnomAD 0.00007; TOPMed 0.00007; gnomAD exomes 0.00008; 1000 Genomes Project 30x 0.00016; 1000 Genomes Project 0.00020; ExAC 0.00020.
gnomAD v4.1: 128 of 1,553,056 alleles (0.0082%); highest among the groups gnomAD compares: Middle Eastern, 0.085%; no homozygotes.

Submission:

PreventionGenetics, part of Exact Sciences
Classification: Likely benign for ITPR3-related condition. Last evaluated: 2019-07-11. Review status: no assertion criteria provided. Collection method: clinical testing. Allele origin: germline.
Comment: This variant is classified as likely benign based on ACMG/AMP sequence variant interpretation guidelines (Richards et al. 2015 PMID: 25741868, with internal and published modifications).